The following is an entry in ClinVar:

NM_000071.3(CBS):c.1218del (p.Lys406fs)

Gene: CBS (cystathionine beta-synthase; minus strand). Cytogenetic location: 21q22.3.
Variant type: Deletion.
Coding change: c.1218del on transcript NM_000071.3 (MANE Select); coding-DNA position 1218, one base deleted (G; older notation c.1218delG).
Protein change: p.Lys406fs; shifts the reading frame from lysine 406.
Molecular consequence: frameshift variant.
Genome position (GRCh38, 1-based): chr21:43,059,231, C deleted on the plus strand (G on the coding strand, the reverse complement: CBS is on the minus strand). VCF-style (leftmost placement, unchanged base first): chr21-43059230-GC-G. GRCh37 (hg19) VCF-style: chr21-44479340-GC-G.
Other names: c.1218del, p.Lys406fs (NM_001178008.3, NM_001178009.3, NM_001320298.2); c.903del, p.Lys301fs (NM_001321072.1); c.1218delG (NM_000071.2); short protein forms K406fs, K301fs.
Identifiers: ClinVar variation 194150 (VCV000194150.12), dbSNP rs794727083, ClinGen allele CA274981.

ClinVar aggregate classification (germline): Pathogenic/Likely pathogenic. Review status: criteria provided, multiple submitters, no conflicts (2 of 4 stars). 4 submissions from 4 submitters: Pathogenic (2); Likely pathogenic (1). 1 of the submissions does not count toward it. Last evaluated 2023-08-07.

Conditions:
HYPERHOMOCYSTEINEMIA, THROMBOTIC, CBS-RELATED. Identifiers: MedGen C3150344, OMIM 236200.
Classic homocystinuria. Also called: Homocystinuria due to CBS deficiency; Cystathionine beta-synthase deficiency; CBS deficiency; Homocystinuria due to Cystathionine Beta-Synthase Deficiency; HOMOCYSTINURIA WITH OR WITHOUT RESPONSE TO PYRIDOXINE. Identifiers: Orphanet 394, MedGen C0751202, MONDO:0009352, OMIM 236200.

Submissions (4):

Baylor Genetics
Classification: Likely pathogenic for Classic homocystinuria. Last evaluated: 2023-08-07. Review status: criteria provided, single submitter. Criteria: ACMG Guidelines, 2015. Collection method: clinical testing. Allele origin: unknown.

Labcorp Genetics (formerly Invitae), Labcorp
Classification: Pathogenic for HYPERHOMOCYSTEINEMIA, THROMBOTIC, CBS-RELATED. Last evaluated: 2023-01-07. Review status: criteria provided, single submitter. Criteria: Invitae Variant Classification Sherloc (09022015). Collection method: clinical testing. Allele origin: germline.
Comment: This sequence change creates a premature translational stop signal (p.Lys406Asnfs*18) in the CBS gene. It is expected to result in an absent or disrupted protein product. Loss-of-function variants in CBS are known to be pathogenic (PMID: 10338090, 12124992). For these reasons, this variant has been classified as Pathogenic. ClinVar contains an entry for this variant (Variation ID: 194150). This variant has not been reported in the literature in individuals affected with CBS-related conditions. This variant is not present in population databases (gnomAD no frequency).

Eurofins Ntd Llc (ga)
Classification: Pathogenic. Last evaluated: 2014-11-20. Review status: criteria provided, single submitter. Criteria: EGL Classification Definitions 2015. Collection method: clinical testing. Allele origin: germline. Observed: 2 variant alleles, 2 heterozygotes.

Counsyl
Classification: Likely pathogenic for Classic homocystinuria. Last evaluated: 2018-05-31. Review status: no assertion criteria provided. Collection method: clinical testing. Allele origin: unknown. Not counted in ClinVar's aggregate classification.

Literature cited by the submitters: PubMed 10338090 (cited by Labcorp Genetics (formerly Invitae), Labcorp); PubMed 12124992 (cited by Labcorp Genetics (formerly Invitae), Labcorp).